The following is an entry in ClinVar:

NM_012309.5(SHANK2):c.660T>C (p.Gly220=)

Gene: SHANK2 (SH3 and multiple ankyrin repeat domains 2; minus strand). Cytogenetic location: 11q13.4.
Variant type: single nucleotide variant.
Coding change: c.660T>C on transcript NM_012309.5 (MANE Select); coding-DNA position 660, T replaced by C.
Protein change: p.Gly220=; no amino-acid change (glycine 220 retained).
Molecular consequence: synonymous variant.
Genome position (GRCh38, 1-based): chr11:71,094,621, A>G on the plus strand (T>C on the coding strand, the complement: SHANK2 is on the minus strand). VCF-style: chr11-71094621-A-G. GRCh37 (hg19) VCF-style: chr11-70805667-A-G.
Identifiers: ClinVar variation 3054623 (VCV003054623.2), dbSNP rs2501751842, ClinGen allele CA475815107.

ClinVar aggregate classification (germline): Likely benign (0 of 4 stars; one submission).

Conditions:
SHANK2-related disorder.

Submission:

PreventionGenetics, part of Exact Sciences
Classification: Likely benign for SHANK2-related condition. Last evaluated: 2020-05-26. Review status: no assertion criteria provided. Collection method: clinical testing. Allele origin: germline.
Comment: This variant is classified as likely benign based on ACMG/AMP sequence variant interpretation guidelines (Richards et al. 2015 PMID: 25741868, with internal and published modifications).